The following is an entry in ClinVar:

ClinVar aggregate classification (germline): Uncertain significance. Review status: criteria provided, multiple submitters, no conflicts (2 of 4 stars). 2 submissions from 2 submitters: Uncertain significance (2). Last evaluated 2024-08-27.

Conditions:
Duchenne muscular dystrophy (DMD). Also called: Duchenne Muscular Dystrophy (DMD); MUSCULAR DYSTROPHY, PSEUDOHYPERTROPHIC PROGRESSIVE, DUCHENNE TYPE. Identifiers: Orphanet 98896, MedGen C0013264, MONDO:0010679, OMIM 310200.
Cardiovascular phenotype. Identifiers: MedGen CN230736.

Allele frequency attached by ClinVar (database versions not stated): gnomAD exomes below 0.00001; TOPMed 0.00001.
gnomAD v4.1: 3 of 1,208,962 alleles (0.00025%); highest among the groups gnomAD compares: Non-Finnish European, 0.00034%; no homozygotes.

Submissions (2):

Labcorp Genetics (formerly Invitae), Labcorp
Classification: Uncertain significance for Duchenne muscular dystrophy. Last evaluated: 2024-08-27. Review status: criteria provided, single submitter. Criteria: Invitae Variant Classification Sherloc (09022015). Collection method: clinical testing. Allele origin: germline.
Comment: This sequence change replaces aspartic acid, which is acidic and polar, with asparagine, which is neutral and polar, at codon 1307 of the DMD protein (p.Asp1307Asn). This variant is not present in population databases (gnomAD no frequency). This variant has not been reported in the literature in individuals affected with DMD-related conditions. ClinVar contains an entry for this variant (Variation ID: 2450338). An algorithm developed to predict the effect of missense changes on protein structure and function outputs the following: PolyPhen-2: "Benign". The asparagine amino acid residue is found in multiple mammalian species, which suggests that this missense change does not adversely affect protein function. In summary, the available evidence is currently insufficient to determine the role of this variant in disease. Therefore, it has been classified as a Variant of Uncertain Significance.

Ambry Genetics
Classification: Uncertain significance for Cardiovascular phenotype. Last evaluated: 2022-12-05. Review status: criteria provided, single submitter. Criteria: Ambry Variant Classification Scheme 2023. Collection method: clinical testing. Allele origin: germline.
Comment: The p.D1307N variant (also known as c.3919G>A), located in coding exon 28 of the DMD gene, results from a G to A substitution at nucleotide position 3919. The aspartic acid at codon 1307 is replaced by asparagine, an amino acid with highly similar properties. Based on data from gnomAD, the A allele has an overall frequency of 0.0005% (1/182654) total alleles studied, with 0 hemizygote(s) observed. The highest observed frequency was 0.0012% (1/81426) of European (non-Finnish) alleles. This amino acid position is poorly conserved in available vertebrate species. In addition, this alteration is predicted to be tolerated by in silico analysis. Since supporting evidence is limited at this time, the clinical significance of this alteration remains unclear.

NM_004006.3(DMD):c.3919G>A (p.Asp1307Asn)

Gene: DMD (dystrophin; minus strand). Cytogenetic location: Xp21.1.
Variant type: single nucleotide variant.
Coding change: c.3919G>A on transcript NM_004006.3 (MANE Select); coding-DNA position 3919, G replaced by A.
Protein change: p.Asp1307Asn; replaces aspartic acid 1307 with asparagine.
Molecular consequence: missense variant.
Genome position (GRCh38, 1-based): chrX:32,441,182, C>T on the plus strand (G>A on the coding strand, the complement: DMD is on the minus strand). VCF-style: chrX-32441182-C-T. GRCh37 (hg19) VCF-style: chrX-32459299-C-T.
Other names: c.3895G>A, p.Asp1299Asn (NM_000109.4); c.3907G>A, p.Asp1303Asn (NM_004009.3); c.3550G>A, p.Asp1184Asn (NM_004010.3); short protein forms D1307N, D1184N, D1299N, D1303N.
Identifiers: ClinVar variation 2450338 (VCV002450338.4), dbSNP rs1569562561, ClinGen allele CA412670113.